The following is an entry in ClinVar:

ClinVar aggregate classification (germline): Pathogenic/Likely pathogenic. Review status: criteria provided, multiple submitters, no conflicts (2 of 4 stars). 2 submissions from 2 submitters: Pathogenic (1); Likely pathogenic (1). Last evaluated 2024-02-16.

Conditions:
Generalized dominant dystrophic epidermolysis bullosa (DDEB). Also called: DDEB, generalized; DDEB-gen; DYSTROPHIC EPIDERMOLYSIS BULLOSA, AUTOSOMAL DOMINANT; Epidermolysis bullosa dystrophica, autosomal dominant; Dominant DEB (DDEB). Identifiers: Orphanet 231568, MedGen C0432322, MONDO:0007549, OMIM 131750.

Submissions (2):

Labcorp Genetics (formerly Invitae), Labcorp
Classification: Likely pathogenic. Last evaluated: 2024-02-16. Review status: criteria provided, single submitter. Criteria: Invitae Variant Classification Sherloc (09022015). Collection method: clinical testing. Allele origin: germline.
Comment: This sequence change replaces glycine, which is neutral and non-polar, with glutamic acid, which is acidic and polar, at codon 2502 of the COL7A1 protein (p.Gly2502Glu). This variant is not present in population databases (gnomAD no frequency). This missense change has been observed in individual(s) with recessive dystrophic epidermolysis bullosa (PMID: 24947307). Advanced modeling of protein sequence and biophysical properties (such as structural, functional, and spatial information, amino acid conservation, physicochemical variation, residue mobility, and thermodynamic stability) performed at Invitae indicates that this missense variant is expected to disrupt COL7A1 protein function with a positive predictive value of 95%. This variant disrupts the triple helix domain of COL7A1. Glycine residues within the Gly-Xaa-Yaa repeats of the triple helix domain are required for the structure and stability of fibrillar collagens (PMID: 7695699, 8218237, 19344236), and variants at these glycine residues in COL7A1 are more frequently observed in individuals with disease than in the general population (PMID: 22058051). However, the clinical significance of this observation remains uncertain since only a limited number of affected individuals have been described to date. In summary, the currently available evidence indicates that the variant is pathogenic, but additional data are needed to prove that conclusively. Therefore, this variant has been classified as Likely Pathogenic.

Victorian Clinical Genetics Services, Murdoch Childrens Research Institute
Classification: Pathogenic for Generalized dominant dystrophic epidermolysis bullosa. Last evaluated: 2023-07-17. Review status: criteria provided, single submitter. Criteria: ACMG Guidelines, 2015. Collection method: clinical testing. Allele origin: germline. Inheritance: Autosomal dominant inheritance. Affected: yes.
Comment: Based on the classification scheme VCGS_Germline_v1.3.4, this variant is classified as Pathogenic. Following criteria are met: 0103 - Dominant negative and loss of function are known mechanisms of disease in this gene and are associated with dystrophic epidermolysis bullosa (DEB) (OMIM, PMID: 31670143). (I) 0108 - This gene is associated with both recessive and dominant disease. The spectrum of DEB associated with this gene can be either dominant or recessive. Dominant inheritance (DDEB; MIM#131750) is typically associated with milder phenotypes, whereas recessive inheritance (RDEB; MIM#226600) is usually observed in more severe cases (OMIM). (I) 0115 - Variants in this gene are known to have variable expressivity. Severity ranges from involving only nails to generalized and severe blistering and scarring (PMID: 31670143). (I) 0200 - Variant is predicted to result in a missense amino acid change from glycine to glutamic acid. (I) 0251 - This variant is heterozygous. (I) 0301 - Variant is absent from gnomAD (both v2 and v3). (SP) 0501 - Missense variant consistently predicted to be damaging by multiple in silico tools or highly conserved with a major amino acid change. (SP) 0601 - Variant is located in the well-established functional Gly-X-Y motif within the repeat domain, and affects a glycine residue (DECIPHER). (SP) 0705 - No comparable missense variants have previous evidence for pathogenicity. (I) 0803 - This variant has limited previous evidence of pathogenicity in an unrelated individual. This variant has been reported in a newborn individual with epidermolysis bullosa, who also harboured a nonsense variant in COL7A1. It is unclear whether the two variants were in cis or in trans (PMID: 24947307). (SP) 0905 - No published segregation evidence has been identified for this variant. (I) 1007 - No published functional evidence has been identified for this variant. (I) 1101 - Very strong and specific phenotype match for this individual. (I) Legend: (SP) - Supporting pathogenic, (I) - Information, (SB) - Supporting benign

Literature cited by the submitters: PubMed 24947307 (cited by Labcorp Genetics (formerly Invitae), Labcorp and Victorian Clinical Genetics Services, Murdoch Childrens Research Institute); PubMed 7695699 (cited by Labcorp Genetics (formerly Invitae), Labcorp); PubMed 8218237 (cited by Labcorp Genetics (formerly Invitae), Labcorp); PubMed 19344236 (cited by Labcorp Genetics (formerly Invitae), Labcorp); PubMed 22058051 (cited by Labcorp Genetics (formerly Invitae), Labcorp); PubMed 31670143 (cited by Victorian Clinical Genetics Services, Murdoch Childrens Research Institute).

NM_000094.4(COL7A1):c.7505G>A (p.Gly2502Glu)

Gene: COL7A1 (collagen type VII alpha 1 chain; minus strand). Cytogenetic location: 3p21.31.
Variant type: single nucleotide variant.
Coding change: c.7505G>A on transcript NM_000094.4 (MANE Select); coding-DNA position 7505, G replaced by A.
Protein change: p.Gly2502Glu; replaces glycine 2502 with glutamic acid.
Molecular consequence: missense variant.
Genome position (GRCh38, 1-based): chr3:48,569,896, C>T on the plus strand (G>A on the coding strand, the complement: COL7A1 is on the minus strand). VCF-style: chr3-48569896-C-T. GRCh37 (hg19) VCF-style: chr3-48607329-C-T.
Other names: short protein forms G2502E.
Identifiers: ClinVar variation 3376731 (VCV003376731.3).